The following is an entry in ClinVar:

NM_000350.3(ABCA4):c.2122A>G (p.Met708Val)

Gene: ABCA4 (ATP binding cassette subfamily A member 4; minus strand). Cytogenetic location: 1p22.1.
Variant type: single nucleotide variant.
Coding change: c.2122A>G on transcript NM_000350.3 (MANE Select); coding-DNA position 2122, A replaced by G.
Protein change: p.Met708Val; replaces methionine 708 with valine.
Molecular consequence: missense variant.
Genome position (GRCh38, 1-based): chr1:94,060,575, T>C on the plus strand (A>G on the coding strand, the complement: ABCA4 is on the minus strand). VCF-style: chr1-94060575-T-C. GRCh37 (hg19) VCF-style: chr1-94526131-T-C.
Other names: c.2122A>G, p.Met708Val (NM_001425324.1); c.2122A>G (NM_000350.2); short protein forms M708V.
Identifiers: ClinVar variation 1903302 (VCV001903302.5), dbSNP rs147051178, ClinGen allele CA958351.

ClinVar aggregate classification (germline): Uncertain significance. Review status: criteria provided, multiple submitters, no conflicts (2 of 4 stars). 3 submissions from 3 submitters: Uncertain significance (3). Last evaluated 2025-04-16.

Conditions:
Inborn genetic diseases. Identifiers: MedGen C0950123, MeSH D030342.

Allele frequency attached by ClinVar (database versions not stated): ExAC 0.00002; gnomAD 0.00003; TOPMed 0.00003; gnomAD exomes 0.00004; ESP Exome Variant Server 0.00015.
gnomAD v4.1: 63 of 1,614,042 alleles (0.0039%); highest among the groups gnomAD compares: Non-Finnish European, 0.0048%; no homozygotes.

Submissions (3):

Labcorp Genetics (formerly Invitae), Labcorp
Classification: Uncertain significance. Last evaluated: 2025-04-16. Review status: criteria provided, single submitter. Criteria: Invitae Variant Classification Sherloc (09022015). Collection method: clinical testing. Allele origin: germline.
Comment: This sequence change replaces methionine, which is neutral and non-polar, with valine, which is neutral and non-polar, at codon 708 of the ABCA4 protein (p.Met708Val). This variant is present in population databases (rs147051178, gnomAD 0.004%). This variant has not been reported in the literature in individuals affected with ABCA4-related conditions. ClinVar contains an entry for this variant (Variation ID: 1903302). Invitae Evidence Modeling of protein sequence and biophysical properties (such as structural, functional, and spatial information, amino acid conservation, physicochemical variation, residue mobility, and thermodynamic stability) indicates that this missense variant is expected to disrupt ABCA4 protein function with a positive predictive value of 95%. In summary, the available evidence is currently insufficient to determine the role of this variant in disease. Therefore, it has been classified as a Variant of Uncertain Significance.

Ambry Genetics
Classification: Uncertain significance for Inborn genetic diseases. Last evaluated: 2024-09-02. Review status: criteria provided, single submitter. Criteria: Ambry Variant Classification Scheme 2023. Collection method: clinical testing. Allele origin: germline.

Blueprint Genetics
Classification: Uncertain significance. Last evaluated: 2022-02-01. Review status: criteria provided, single submitter. Criteria: ACMG Guidelines, 2015. Collection method: clinical testing. Allele origin: germline.